The following is an entry in ClinVar:

ClinVar aggregate classification (germline): Uncertain significance (1 of 4 stars; one submission).

Submission:

Labcorp Genetics (formerly Invitae), Labcorp
Classification: Uncertain significance. Last evaluated: 2022-03-19. Review status: criteria provided, single submitter. Criteria: Invitae Variant Classification Sherloc (09022015). Collection method: clinical testing. Allele origin: germline.
Comment: This variant is not present in population databases (gnomAD no frequency). In summary, the available evidence is currently insufficient to determine the role of this variant in disease. Therefore, it has been classified as a Variant of Uncertain Significance. Algorithms developed to predict the effect of missense changes on protein structure and function output the following: SIFT: "Tolerated"; PolyPhen-2: "Benign"; Align-GVGD: "Class C0". The arginine amino acid residue is found in multiple mammalian species, which suggests that this missense change does not adversely affect protein function. This variant has not been reported in the literature in individuals affected with KIAA0753-related conditions. This sequence change replaces lysine, which is basic and polar, with arginine, which is basic and polar, at codon 411 of the KIAA0753 protein (p.Lys411Arg).

NM_014804.3(KIAA0753):c.1232A>G (p.Lys411Arg)

Gene: KIAA0753 (KIAA0753; minus strand). Cytogenetic location: 17p13.1.
Variant type: single nucleotide variant.
Coding change: c.1232A>G on transcript NM_014804.3 (MANE Select); coding-DNA position 1232, A replaced by G.
Protein change: p.Lys411Arg; replaces lysine 411 with arginine.
Molecular consequence: missense variant. On other transcripts: non-coding transcript variant (3).
Genome position (GRCh38, 1-based): chr17:6,620,871, T>C on the plus strand (A>G on the coding strand, the complement: KIAA0753 is on the minus strand). VCF-style: chr17-6620871-T-C. GRCh37 (hg19) VCF-style: chr17-6524191-T-C.
Other names: c.335A>G, p.Lys112Arg (NM_001351225.2); short protein forms K112R, K411R.
Identifiers: ClinVar variation 1922461 (VCV001922461.5), dbSNP rs2544477183, ClinGen allele CA397412399.